The following is an entry in ClinVar:

NM_001010867.4(IBA57):c.253_276del (p.Ala85_Ala92del)

Gene: IBA57 (iron-sulfur cluster assembly factor IBA57; plus strand). Cytogenetic location: 1q42.13.
Variant type: Deletion.
Coding change: c.253_276del on transcript NM_001010867.4 (MANE Select); coding-DNA positions 253 to 276, 24 bases deleted (GCCGCGGGGGCCCCGCCTGCTGCG).
Protein change: p.Ala85_Ala92del.
Molecular consequence: inframe deletion.
Genome position (GRCh38, 1-based): chr1:228,166,069-228,166,092, GCCGCGGGGGCCCCGCCTGCTGCG deleted; deleting any 24 consecutive bases within chr1:228,166,064-228,166,092 gives the same sequence; the c. name uses the placement nearest the transcript's 3' end. VCF-style (leftmost placement, unchanged base first): chr1-228166063-CCTGCGGCCGCGGGGGCCCCGCCTG-C. GRCh37 (hg19) VCF-style: chr1-228353764-CCTGCGGCCGCGGGGGCCCCGCCTG-C.
Identifiers: ClinVar variation 2050028 (VCV002050028.3), dbSNP rs764566232, ClinGen allele CA1431088.
Genomic context (GRCh38, chr1:228,166,063, plus strand): 5'-GGCCCCGACGCGGCGCCCTTCCTGCTAGGGCTGCTGACCAATGAACTGCCGCTTCCGAGT[CCTGCGGCCGCGGGGGCCCCGCCTG>C]CTGCGCGCGCGGGCTACGCCCACTTCCTGAACGTGCAGGGCCGGACGCTCTATGACGTCA-3'

ClinVar aggregate classification (germline): Conflicting classifications of pathogenicity. Review status: criteria provided, conflicting classifications (1 of 4 stars). 2 submissions from 2 submitters: Uncertain significance (1); Likely benign (1). Last evaluated 2024-01-08.

Conditions:
Hereditary spastic paraplegia 74. Also called: Spastic paraplegia 74, autosomal recessive. Identifiers: Orphanet 468661, MedGen C5568837, MONDO:0014644, OMIM 616451.
Multiple mitochondrial dysfunctions syndrome 3 (MMDS3). Identifiers: Orphanet 363424, MedGen C3809165, MONDO:0014132, OMIM 615330.
Inborn genetic diseases. Identifiers: MedGen C0950123, MeSH D030342.

Submissions (2):

Labcorp Genetics (formerly Invitae), Labcorp
Classification: Uncertain significance for Multiple mitochondrial dysfunctions syndrome 3; Hereditary spastic paraplegia 74. Last evaluated: 2024-01-08. Review status: criteria provided, single submitter. Criteria: Invitae Variant Classification Sherloc (09022015). Collection method: clinical testing. Allele origin: germline.
Comment: This variant, c.253_276del, results in the deletion of 8 amino acid(s) of the IBA57 protein (p.Ala85_Ala92del), but otherwise preserves the integrity of the reading frame. This variant is present in population databases (rs764566232, gnomAD 0.05%). This variant has not been reported in the literature in individuals affected with IBA57-related conditions. ClinVar contains an entry for this variant (Variation ID: 2050028). Experimental studies and prediction algorithms are not available or were not evaluated, and the functional significance of this variant is currently unknown. In summary, the available evidence is currently insufficient to determine the role of this variant in disease. Therefore, it has been classified as a Variant of Uncertain Significance.

Ambry Genetics
Classification: Likely benign for Inborn genetic diseases. Last evaluated: 2021-10-11. Review status: criteria provided, single submitter. Criteria: Ambry Variant Classification Scheme 2023. Collection method: clinical testing. Allele origin: germline.